The following is an entry in ClinVar:

ClinVar aggregate classification (germline): Benign/Likely benign. Review status: criteria provided, multiple submitters, no conflicts (2 of 4 stars). 6 submissions from 6 submitters: Benign (2); Likely benign (3). 1 of the submissions does not count toward it. Last evaluated 2026-01-21.

Conditions:
DIAPH3-related disorder. Also called: DIAPH3-related condition.

Allele frequency attached by ClinVar (database versions not stated): 1000 Genomes Project 0.00180; 1000 Genomes Project 30x 0.00203; ExAC 0.00372; TOPMed 0.00398; gnomAD exomes 0.00403 and 0.00771; gnomAD 0.00428 and 0.00443; ESP Exome Variant Server 0.00479.
gnomAD v4.1: 11,791 of 1,613,554 alleles (0.73%); highest among the groups gnomAD compares: Non-Finnish European, 0.93%; 68 homozygotes.

Submissions (6):

Labcorp Genetics (formerly Invitae), Labcorp
Classification: Likely benign. Last evaluated: 2026-01-21. Review status: criteria provided, single submitter. Criteria: Invitae Variant Classification Sherloc (09022015). Collection method: clinical testing. Allele origin: germline.

CeGaT Center for Human Genetics Tuebingen
Classification: Likely benign. Last evaluated: 2022-08-01. Review status: criteria provided, single submitter. Criteria: CeGaT Center For Human Genetics Tuebingen Variant Classification Criteria Version 2. Collection method: clinical testing. Allele origin: germline. Affected: yes. Observed: 1 variant allele.
Comment: DIAPH3: BS2

Athena Diagnostics
Classification: Benign. Last evaluated: 2018-12-29. Review status: criteria provided, single submitter. Criteria: Athena Diagnostics Criteria. Collection method: clinical testing. Allele origin: germline.

GeneDx
Classification: Benign. Last evaluated: 2018-12-26. Review status: criteria provided, single submitter. Criteria: GeneDx Variant Classification Process June 2021. Collection method: clinical testing. Allele origin: germline. Affected: yes.

Breakthrough Genomics
Classification: Likely benign. Review status: criteria provided, single submitter. Criteria: ACMG Guidelines, 2015. Collection method: not provided. Allele origin: germline. Inheritance: Autosomal dominant inheritance. Affected: yes.

PreventionGenetics, part of Exact Sciences
Classification: Benign for DIAPH3-related condition. Last evaluated: 2020-01-29. Review status: no assertion criteria provided. Collection method: clinical testing. Allele origin: germline. Not counted in ClinVar's aggregate classification.
Comment: This variant is classified as benign based on ACMG/AMP sequence variant interpretation guidelines (Richards et al. 2015 PMID: 25741868, with internal and published modifications).

Literature cited by the submitters: PubMed 21220648 (cited by Athena Diagnostics).

NM_001042517.2(DIAPH3):c.2317T>C (p.Phe773Leu)

Gene: DIAPH3 (diaphanous related formin 3; minus strand). Cytogenetic location: 13q21.2.
Variant type: single nucleotide variant.
Coding change: c.2317T>C on transcript NM_001042517.2 (MANE Select); coding-DNA position 2317, T replaced by C.
Protein change: p.Phe773Leu; replaces phenylalanine 773 with leucine.
Molecular consequence: missense variant.
Genome position (GRCh38, 1-based): chr13:59,911,785, A>G on the plus strand (T>C on the coding strand, the complement: DIAPH3 is on the minus strand). VCF-style: chr13-59911785-A-G. GRCh37 (hg19) VCF-style: chr13-60485919-A-G.
Other names: c.2284T>C, p.Phe762Leu (NM_001258366.2); c.2179T>C, p.Phe727Leu (NM_001258367.2); c.2107T>C, p.Phe703Leu (NM_001258368.2); c.2317T>C, p.Phe773Leu (NM_001258369.2); c.1528T>C, p.Phe510Leu (NM_001258370.2, NM_030932.4); short protein forms F773L, F510L, F703L, F762L, F727L.
Identifiers: ClinVar variation 508708 (VCV000508708.44), dbSNP rs35579086, ClinGen allele CA6996413.
Genomic context (GRCh38, chr13:59,911,785, plus strand): 5'-CGGTACTTACCACAACCACAAACTGCTCAGGTTCACATAAGTTGCTATATTCACTCTTGA[A>G]CTGAGACAATGAATTTAATTGCTCTTGATCAGGAAGATGCTTTATTAAGTTCTAAAAATT-3'
Protein context (NP_001035982.1, residues 763-783): DQEQLNSLSQ[Phe773Leu]KSEYSNLCEP